The following is an entry in ClinVar:

ClinVar aggregate classification (germline): Conflicting classifications of pathogenicity. Review status: criteria provided, conflicting classifications (1 of 4 stars). 11 submissions from 10 submitters: Uncertain significance (2); Likely benign (8). 1 of the submissions does not count toward it. Last evaluated 2026-03-30.

Conditions:
WFS1-Related Spectrum Disorders.
WFS1-related disorder. Identifiers: MedGen CN379391, MONDO:0700293.
Monogenic diabetes. Identifiers: Orphanet 183625, MedGen C3888631, MONDO:0015967.
Autosomal dominant nonsyndromic hearing loss 6 (LFSNHL). Also called: DEAFNESS, AUTOSOMAL DOMINANT 6; DEAFNESS, AUTOSOMAL DOMINANT 14; DEAFNESS, AUTOSOMAL DOMINANT 38; Autosomal dominant nonsyndromic deafness 6. Identifiers: Orphanet 90635, MedGen C1833021, MONDO:0010963, OMIM 600965.

Allele frequency attached by ClinVar (database versions not stated): 1000 Genomes Project 30x 0.00031; 1000 Genomes Project 0.00040; gnomAD 0.00057; TOPMed 0.00057; ESP Exome Variant Server 0.00069; gnomAD exomes 0.00120; ExAC 0.00136.
gnomAD v4.1: 1,174 of 1,613,944 alleles (0.073%); highest among the groups gnomAD compares: Middle Eastern, 0.26%; 1 homozygote.

Submissions (11):

Women's Health and Genetics/Laboratory Corporation of America, LabCorp
Classification: Likely benign. Last evaluated: 2026-03-30. Review status: criteria provided, single submitter. Criteria: LabCorp Variant Classification Summary - May 2015. Collection method: clinical testing. Allele origin: germline.
Comment: Variant summary: WFS1 c.1153G>A (p.Glu385Lys) results in a conservative amino acid change in the encoded protein sequence. Algorithms developed to predict the effect of missense changes on protein structure and function are either unavailable or do not agree on the potential impact of this missense change. The variant allele was found at a frequency of 0.0012 in 251472 control chromosomes (gnomAD). This frequency is not significantly higher than estimated for disease-causing variants in WFS1, although a homozygote was found in gnomAD v4.1. c.1153G>A has been observed in a heterozygous individual(s) affected with Wolfram Syndrome 1 who had reduced WFS1 protein levels (Hu_2022). This report does not provide unequivocal conclusions about association of the variant with Wolfram Syndrome 1. At least one publication reports experimental evidence evaluating an impact on protein function (Hu_2022). These results showed no damaging effect of this variant. The following publications have been ascertained in the context of this evaluation (PMID: 34006618, 39221226). ClinVar contains an entry for this variant (Variation ID: 178590). Based on the evidence outlined above, the variant was classified as likely benign.

Labcorp Genetics (formerly Invitae), Labcorp
Classification: Likely benign. Last evaluated: 2026-02-01. Review status: criteria provided, single submitter. Criteria: Invitae Variant Classification Sherloc (09022015). Collection method: clinical testing. Allele origin: germline.

CeGaT Center for Human Genetics Tuebingen
Classification: Likely benign. Last evaluated: 2025-12-01. Review status: criteria provided, single submitter. Criteria: CeGaT Center For Human Genetics Tuebingen Variant Classification Criteria Version 2. Collection method: clinical testing. Allele origin: germline. Affected: yes. Observed: 4 variant alleles.
Comment: WFS1: BS2

Blueprint Genetics
Classification: Likely benign. Last evaluated: 2024-11-25. Review status: criteria provided, single submitter. Criteria: ACMG Guidelines, 2015. Collection method: clinical testing. Allele origin: germline.

GeneDx
Classification: Likely benign. Last evaluated: 2021-04-21. Review status: criteria provided, single submitter. Criteria: GeneDx Variant Classification Process June 2021. Collection method: clinical testing. Allele origin: germline. Affected: yes.
Comment: This variant is associated with the following publications: (PMID: 23595122, 24909696, 28432734)

Illumina Laboratory Services, Illumina
Classification: Likely benign for Autosomal dominant nonsyndromic hearing loss 6. Last evaluated: 2018-01-13. Review status: criteria provided, single submitter. Criteria: ICSL Variant Classification Criteria 13 December 2019. Collection method: clinical testing. Allele origin: germline.
Comment: This variant was observed in the ICSL laboratory as part of a predisposition screen in an ostensibly healthy population. It had not been previously curated by ICSL or reported in the Human Gene Mutation Database (HGMD: prior to June 1st, 2018), and was therefore a candidate for classification through an automated scoring system. Utilizing variant allele frequency, disease prevalence and penetrance estimates, and inheritance mode, an automated score was calculated to assess if this variant is too frequent to cause the disease. Based on the score and internal cut-off values, a variant classified as likely benign is not then subjected to further curation. The score for this variant resulted in a classification of likely benign for this disease.

Illumina Laboratory Services, Illumina
Classification: Uncertain significance for WFS1-Related Spectrum Disorders. Last evaluated: 2018-01-13. Review status: criteria provided, single submitter. Criteria: ICSL Variant Classification Criteria 13 December 2019. Collection method: clinical testing. Allele origin: germline.

Personalized Diabetes Medicine Program, University of Maryland School of Medicine
Classification: Likely benign for Monogenic diabetes. Last evaluated: 2016-02-03. Review status: criteria provided, single submitter. Criteria: ACMG Guidelines, 2015. Collection method: research. Allele origin: unknown. Observed: 1 variant allele, 1 heterozygote.
Comment: ACMG Criteria: PP3, BS2, BP4

Laboratory for Molecular Medicine, Mass General Brigham Personalized Medicine
Classification: Likely benign. Last evaluated: 2015-02-04. Review status: criteria provided, single submitter. Criteria: LMM Criteria. Collection method: clinical testing. Allele origin: germline. Observed: 5 variant alleles.
Comment: p.Glu385Lys in exon 8 of WFS1: This variant is not expected to have clinical sig nificance because it has been identified in 0.4% (24/6748) of European (Finnish ) chromosomes and 0.2% (113/67706) of European (non-Finnish) chromosomes by the Exome Aggregation Consortium (ExAC; dbSNP rs7152 4353). Although this variant been reported in the heterozygous state in 3 indivi duals with hearing loss and 1 individual with optic atrophy, the variant did not segregate with hearing loss in 1 affected sibling (Kytovuori 2013, Hakli 2014). Moreover, the p.Glu385Lys variant has been identified by our laboratory in 3 in dividuals with hearing loss, but two individuals had an alternate genetic explan ation for their hearing loss.

Genetic Services Laboratory, University of Chicago
Classification: Uncertain significance. Last evaluated: 2014-05-28. Review status: criteria provided, single submitter. Criteria: ACMG Guidelines, 2015. Collection method: clinical testing. Allele origin: germline.

PreventionGenetics, part of Exact Sciences
Classification: Likely benign for WFS1-related condition. Last evaluated: 2021-02-03. Review status: no assertion criteria provided. Collection method: clinical testing. Allele origin: germline. Not counted in ClinVar's aggregate classification.
Comment: This variant is classified as likely benign based on ACMG/AMP sequence variant interpretation guidelines (Richards et al. 2015 PMID: 25741868, with internal and published modifications).

Literature cited by the submitters: PubMed 34006618 (cited by Women's Health and Genetics/Laboratory Corporation of America, LabCorp); PubMed 39221226 (cited by Women's Health and Genetics/Laboratory Corporation of America, LabCorp); PubMed 24909696 (cited by Laboratory for Molecular Medicine, Mass General Brigham Personalized Medicine); PubMed 23595122 (cited by Laboratory for Molecular Medicine, Mass General Brigham Personalized Medicine).

NM_006005.3(WFS1):c.1153G>A (p.Glu385Lys)

Gene: WFS1 (wolframin ER transmembrane glycoprotein; plus strand). Cytogenetic location: 4p16.1.
Variant type: single nucleotide variant.
Coding change: c.1153G>A on transcript NM_006005.3 (MANE Select); coding-DNA position 1153, G replaced by A.
Protein change: p.Glu385Lys; replaces glutamic acid 385 with lysine.
Molecular consequence: missense variant.
Genome position (GRCh38, 1-based): chr4:6,300,948, G>A. VCF-style: chr4-6300948-G-A. GRCh37 (hg19) VCF-style: chr4-6302675-G-A.
Other names: p.E385K:GAG>AAG; c.1153G>A, p.Glu385Lys (NM_001145853.1); short protein forms E385K.
Identifiers: ClinVar variation 178590 (VCV000178590.63), dbSNP rs71524353, ClinGen allele CA295789.